The following is an entry in ClinVar:

ClinVar aggregate classification (germline): Uncertain significance. Review status: criteria provided, multiple submitters, no conflicts (2 of 4 stars). 2 submissions from 2 submitters: Uncertain significance (2). Last evaluated 2024-04-10.

Conditions:
Nephronophthisis. Also called: Juvenile Nephronophthisis. Identifiers: Orphanet 655, MedGen C0687120, MONDO:0019005, HP:0000090.
Infantile nephronophthisis (NPHP2). Also called: Nephronophthisis 2; Nephronophthisis 2, infantile. Identifiers: Orphanet 655, Orphanet 93591, MedGen C1865872, MONDO:0011190, OMIM 602088.

Allele frequency attached by ClinVar (database versions not stated): TOPMed below 0.00001.
gnomAD v4.1: 3 of 1,614,180 alleles (0.00019%); highest among the groups gnomAD compares: Admixed American, 0.0033%; no homozygotes.

Submissions (2):

Fulgent Genetics
Classification: Uncertain significance for Infantile nephronophthisis. Last evaluated: 2024-04-10. Review status: criteria provided, single submitter. Criteria: ACMG Guidelines, 2015. Collection method: clinical testing. Allele origin: germline.

Labcorp Genetics (formerly Invitae), Labcorp
Classification: Uncertain significance for Nephronophthisis. Last evaluated: 2022-03-09. Review status: criteria provided, single submitter. Criteria: Invitae Variant Classification Sherloc (09022015). Collection method: clinical testing. Allele origin: germline.
Comment: This variant has not been reported in the literature in individuals affected with INVS-related conditions. This variant is present in population databases (no rsID available, gnomAD 0.006%). This sequence change replaces arginine, which is basic and polar, with glycine, which is neutral and non-polar, at codon 635 of the INVS protein (p.Arg635Gly). Algorithms developed to predict the effect of missense changes on protein structure and function output the following: SIFT: "Deleterious"; PolyPhen-2: "Benign"; Align-GVGD: "Class C0". The glycine amino acid residue is found in multiple mammalian species, which suggests that this missense change does not adversely affect protein function. In summary, the available evidence is currently insufficient to determine the role of this variant in disease. Therefore, it has been classified as a Variant of Uncertain Significance.

NM_014425.5(INVS):c.1903A>G (p.Arg635Gly)

Gene: INVS (inversin; plus strand). Cytogenetic location: 9q31.1.
Variant type: single nucleotide variant.
Coding change: c.1903A>G on transcript NM_014425.5 (MANE Select); coding-DNA position 1903, A replaced by G.
Protein change: p.Arg635Gly; replaces arginine 635 with glycine.
Molecular consequence: missense variant. On other transcripts: non-coding transcript variant (1).
Genome position (GRCh38, 1-based): chr9:100,284,438, A>G. VCF-style: chr9-100284438-A-G. GRCh37 (hg19) VCF-style: chr9-103046720-A-G.
Other names: c.1615A>G, p.Arg539Gly (NM_001318381.2); c.925A>G, p.Arg309Gly (NM_001318382.2); short protein forms R635G, R309G, R539G.
Identifiers: ClinVar variation 2162632 (VCV002162632.3), dbSNP rs1283286107, ClinGen allele CA374240108.